The following is an entry in ClinVar:

ClinVar aggregate classification (germline): Uncertain significance (1 of 4 stars; one submission).

Submission:

Labcorp Genetics (formerly Invitae), Labcorp
Classification: Uncertain significance. Last evaluated: 2025-10-09. Review status: criteria provided, single submitter. Criteria: Invitae Variant Classification Sherloc (09022015). Collection method: clinical testing. Allele origin: germline.
Comment: This sequence change replaces isoleucine, which is neutral and non-polar, with phenylalanine, which is neutral and non-polar, at codon 392 of the POLR1A protein (p.Ile392Phe). This variant is not present in population databases (gnomAD no frequency). This variant has not been reported in the literature in individuals affected with POLR1A-related conditions. Invitae Evidence Modeling of protein sequence and biophysical properties (such as structural, functional, and spatial information, amino acid conservation, physicochemical variation, residue mobility, and thermodynamic stability) indicates that this missense variant is not expected to disrupt POLR1A protein function with a negative predictive value of 80%. In summary, the available evidence is currently insufficient to determine the role of this variant in disease. Therefore, it has been classified as a Variant of Uncertain Significance.

NM_015425.6(POLR1A):c.1174A>T (p.Ile392Phe)

Gene: POLR1A (RNA polymerase I subunit A; minus strand). Cytogenetic location: 2p11.2.
Variant type: single nucleotide variant.
Coding change: c.1174A>T on transcript NM_015425.6 (MANE Select); coding-DNA position 1174, A replaced by T.
Protein change: p.Ile392Phe; replaces isoleucine 392 with phenylalanine.
Molecular consequence: missense variant.
Genome position (GRCh38, 1-based): chr2:86,078,197, T>A on the plus strand (A>T on the coding strand, the complement: POLR1A is on the minus strand). VCF-style: chr2-86078197-T-A. GRCh37 (hg19) VCF-style: chr2-86305320-T-A.
Other names: short protein forms I392F.
Identifiers: ClinVar variation 4740584 (VCV004740584.1).